The following is an entry in ClinVar:

NM_003482.4(KMT2D):c.11422del (p.Ala3808fs)

Gene: KMT2D (lysine methyltransferase 2D; minus strand). Cytogenetic location: 12q13.12.
Variant type: Deletion.
Coding change: c.11422del on transcript NM_003482.4 (MANE Select); coding-DNA position 11422, one base deleted (G; older notation c.11422delG).
Protein change: p.Ala3808fs; shifts the reading frame from alanine 3808.
Molecular consequence: frameshift variant.
Genome position (GRCh38, 1-based): chr12:49,033,283, C deleted on the plus strand (G on the coding strand, the reverse complement: KMT2D is on the minus strand); the first of 2 consecutive C bases (chr12:49,033,283-49,033,284); deleting either gives the same sequence. VCF-style (leftmost placement, unchanged base first): chr12-49033282-GC-G. GRCh37 (hg19) VCF-style: chr12-49427065-GC-G.
Other names: c.11422delG (NM_003482.3); short protein forms A3808fs.
Identifiers: ClinVar variation 531881 (VCV000531881.6), dbSNP rs1555188704, ClinGen allele CA658797911.
Genomic context (GRCh38, chr12:49,033,282, plus strand): 5'-AGCACCTGTCTGTGAGGGCCCTGGGGGCCCAAAGCTCCAGGGTGCTGCTGCTGCAACACA[GC>G]CACCTGGGCAGGGCCCAGCATGCCCTGGGGCCCCTGGGGTGGTTGAGGGGACAGCTGCTG-3'

ClinVar aggregate classification (germline): Pathogenic/Likely pathogenic. Review status: criteria provided, multiple submitters, no conflicts (2 of 4 stars). 2 submissions from 2 submitters: Pathogenic (1); Likely pathogenic (1). Last evaluated 2017-11-27.

Conditions:
Kabuki syndrome. Also called: NIIKAWA-KUROKI SYNDROME; Kabuki make-up syndrome. Identifiers: Orphanet 2322, MedGen C0796004, MONDO:0016512.
Kabuki syndrome 1 (KABUK1). Also called: KMT2D-Related Kabuki Syndrome. Identifiers: Orphanet 2322, MedGen CN030661, MONDO:0007843, OMIM 147920.

Submissions (2):

Labcorp Genetics (formerly Invitae), Labcorp
Classification: Pathogenic for Kabuki syndrome. Last evaluated: 2017-11-27. Review status: criteria provided, single submitter. Criteria: Invitae Variant Classification Sherloc (09022015). Collection method: clinical testing. Allele origin: germline.
Comment: For these reasons, this variant has been classified as Pathogenic. Loss-of-function variants in KMT2D are known to be pathogenic (PMID: 22126750). This variant has not been reported in the literature in individuals with KMT2D-related disease. This variant is not present in population databases (ExAC no frequency). This sequence change creates a premature translational stop signal (p.Ala3808Leufs*22) in the KMT2D gene. It is expected to result in an absent or disrupted protein product.

Center for Human Genetics, Inc
Classification: Likely pathogenic for Kabuki syndrome 1. Last evaluated: 2016-11-01. Review status: criteria provided, single submitter. Criteria: ACMG Guidelines, 2015. Collection method: clinical testing. Allele origin: germline. Affected: yes.

Literature cited by the submitters: PubMed 22126750 (cited by Labcorp Genetics (formerly Invitae), Labcorp).